The following is an entry in ClinVar:

ClinVar aggregate classification (germline): Uncertain significance (1 of 4 stars; one submission).

Allele frequency attached by ClinVar (database versions not stated): ExAC 0.00001; TOPMed 0.00002; gnomAD 0.00003; ESP Exome Variant Server 0.00023.
gnomAD v4.1: 44 of 1,613,774 alleles (0.0027%); highest among the groups gnomAD compares: African/African-American, 0.0053%; no homozygotes.

Submission:

Labcorp Genetics (formerly Invitae), Labcorp
Classification: Uncertain significance. Last evaluated: 2024-04-25. Review status: criteria provided, single submitter. Criteria: Invitae Variant Classification Sherloc (09022015). Collection method: clinical testing. Allele origin: germline.
Comment: This sequence change replaces glycine, which is neutral and non-polar, with alanine, which is neutral and non-polar, at codon 1490 of the FN1 protein (p.Gly1490Ala). This variant is present in population databases (rs140925328, gnomAD 0.002%). This variant has not been reported in the literature in individuals affected with FN1-related conditions. An algorithm developed to predict the effect of missense changes on protein structure and function (PolyPhen-2) suggests that this variant is likely to be tolerated. In summary, the available evidence is currently insufficient to determine the role of this variant in disease. Therefore, it has been classified as a Variant of Uncertain Significance.

NM_212482.4(FN1):c.4469G>C (p.Gly1490Ala)

Gene: FN1 (fibronectin 1; minus strand). Cytogenetic location: 2q35.
Variant type: single nucleotide variant.
Coding change: c.4469G>C on transcript NM_212482.4 (MANE Select); coding-DNA position 4469, G replaced by C.
Protein change: p.Gly1490Ala; replaces glycine 1490 with alanine.
Molecular consequence: missense variant.
Genome position (GRCh38, 1-based): chr2:215,386,832, C>G on the plus strand (G>C on the coding strand, the complement: FN1 is on the minus strand). VCF-style: chr2-215386832-C-G. GRCh37 (hg19) VCF-style: chr2-216251555-C-G.
Other names: c.4469G>C, p.Gly1490Ala (NM_001365519.2, NM_001365521.2, NM_001365522.2 and 3 more transcripts); c.4196G>C, p.Gly1399Ala (NM_001365520.2, NM_001365523.2, NM_001365524.2 and 7 more transcripts); short protein forms G1399A, G1490A.
Identifiers: ClinVar variation 3016466 (VCV003016466.3), dbSNP rs140925328, ClinGen allele CA2094415.